The following is an entry in ClinVar:

NM_003468.4(FZD5):c.1595G>C (p.Arg532Pro)

Genes: FZD5 (frizzled class receptor 5; minus strand), LOC129935506 (ATAC-STARR-seq lymphoblastoid silent region 12284; plus strand). Cytogenetic location: 2q33.3.
Variant type: single nucleotide variant.
Coding change: c.1595G>C on transcript NM_003468.4 (MANE Select); coding-DNA position 1595, G replaced by C.
Protein change: p.Arg532Pro; replaces arginine 532 with proline.
Molecular consequence: missense variant.
Genome position (GRCh38, 1-based): chr2:207,767,145, C>G on the plus strand (G>C on the coding strand, the complement: FZD5 is on the minus strand). VCF-style: chr2-207767145-C-G. GRCh37 (hg19) VCF-style: chr2-208631869-C-G.
Other names: short protein forms R532P.
Identifiers: ClinVar variation 3372002 (VCV003372002.1).

ClinVar aggregate classification (germline): Uncertain significance (1 of 4 stars; one submission).

Submission:

GeneDx
Classification: Uncertain significance. Last evaluated: 2024-04-03. Review status: criteria provided, single submitter. Criteria: GeneDx Variant Classification Process June 2021. Collection method: clinical testing. Allele origin: germline. Affected: yes.
Comment: Not observed at significant frequency in large population cohorts (gnomAD); In silico analysis supports that this missense variant has a deleterious effect on protein structure/function; Has not been previously published as pathogenic or benign to our knowledge